The following is an entry in ClinVar:

ClinVar aggregate classification (germline): Uncertain significance. Review status: criteria provided, multiple submitters, no conflicts (2 of 4 stars). 4 submissions from 4 submitters: Uncertain significance (3). 1 of the submissions does not count toward it. Last evaluated 2026-03-02.

Conditions:
PRX-related disorder. Also called: PRX-related condition; PRX-Related Disorders.
Charcot-Marie-Tooth disease. Also called: Charcot-Marie-Tooth Hereditary Neuropathy; Charcot-Marie-Tooth Neuropathy. Identifiers: Orphanet 166, MedGen C0007959, MONDO:0015626.
Inborn genetic diseases. Identifiers: MedGen C0950123, MeSH D030342.
Charcot-Marie-Tooth disease type 4. Also called: Charcot-Marie-Tooth disease, type IV; Charcot-Marie-Tooth, Type 4. Identifiers: Orphanet 64749, MedGen C4082197, MONDO:0018995.

Allele frequency attached by ClinVar (database versions not stated): gnomAD exomes 0.00001; gnomAD 0.00002 and 0.00003; TOPMed 0.00002.
gnomAD v4.1: 9 of 1,614,030 alleles (0.00056%); highest among the groups gnomAD compares: Non-Finnish European, 0.00076%; no homozygotes.

Submissions (4):

PreventionGenetics, part of Exact Sciences
Classification: Uncertain significance for PRX-related condition. Last evaluated: 2026-03-02. Review status: criteria provided, single submitter. Criteria: ACMG Guidelines, 2015. Collection method: clinical testing. Allele origin: germline.
Comment: The PRX c.2707A>G variant is predicted to result in the amino acid substitution p.Ile903Val. To our knowledge, this variant has not been reported in the literature. This variant is reported in 0.0031% of alleles in individuals of European (non-Finnish) descent in gnomAD. At this time, the clinical significance of this variant is uncertain due to the absence of conclusive functional and genetic evidence.

Ambry Genetics
Classification: Uncertain significance for Inborn genetic diseases. Last evaluated: 2024-08-21. Review status: criteria provided, single submitter. Criteria: Ambry Variant Classification Scheme 2023. Collection method: clinical testing. Allele origin: germline.

Labcorp Genetics (formerly Invitae), Labcorp
Classification: Uncertain significance for Charcot-Marie-Tooth disease type 4. Last evaluated: 2023-08-30. Review status: criteria provided, single submitter. Criteria: Invitae Variant Classification Sherloc (09022015). Collection method: clinical testing. Allele origin: germline.
Comment: In summary, the available evidence is currently insufficient to determine the role of this variant in disease. Therefore, it has been classified as a Variant of Uncertain Significance. Advanced modeling of protein sequence and biophysical properties (such as structural, functional, and spatial information, amino acid conservation, physicochemical variation, residue mobility, and thermodynamic stability) performed at Invitae indicates that this missense variant is not expected to disrupt PRX protein function. ClinVar contains an entry for this variant (Variation ID: 694914). This variant has not been reported in the literature in individuals affected with PRX-related conditions. This variant is present in population databases (no rsID available, gnomAD 0.002%). This sequence change replaces isoleucine, which is neutral and non-polar, with valine, which is neutral and non-polar, at codon 903 of the PRX protein (p.Ile903Val).

Genesis Genome Database
Classification: Uncertain significance for Charcot-Marie-Tooth disease. Last evaluated: 2019-08-14. Review status: no assertion criteria provided. Collection method: research. Allele origin: germline. Affected: yes. Not counted in ClinVar's aggregate classification.

NM_181882.3(PRX):c.2707A>G (p.Ile903Val)

Gene: PRX (periaxin; minus strand). Cytogenetic location: 19q13.2.
Variant type: single nucleotide variant.
Coding change: c.2707A>G on transcript NM_181882.3 (MANE Select); coding-DNA position 2707, A replaced by G.
Protein change: p.Ile903Val; replaces isoleucine 903 with valine.
Molecular consequence: missense variant. On other transcripts: 3 prime UTR variant (1).
Genome position (GRCh38, 1-based): chr19:40,395,645, T>C on the plus strand (A>G on the coding strand, the complement: PRX is on the minus strand). VCF-style: chr19-40395645-T-C. GRCh37 (hg19) VCF-style: chr19-40901552-T-C.
Other names: c.*2912A>G (NM_020956.2); short protein forms I903V.
Identifiers: ClinVar variation 694914 (VCV000694914.8), dbSNP rs941768924, ClinGen allele CA308417922.
Genomic context (GRCh38, chr19:40,395,645, plus strand): 5'-TCTCTATCATCTCCAGCCGCCCTTCCTCAATTTCCACGGCGGGCAGCTGTGGGGTGACAA[T>C]TTCAACAGAGGGCACTCGGAAGCCCACTTCCCTGACCCCTGCTGCCACCTCAGGGCCCTC-3'
Protein context (NP_870998.2, residues 893-913): EVGFRVPSVE[Ile903Val]VTPQLPAVEI